The following is an entry in ClinVar:

NM_007294.4(BRCA1):c.1080C>A (p.Cys360Ter)

Gene: BRCA1 (BRCA1 DNA repair associated; minus strand). Cytogenetic location: 17q21.31.
Variant type: single nucleotide variant.
Coding change: c.1080C>A on transcript NM_007294.4 (MANE Select); coding-DNA position 1080, C replaced by A.
Protein change: p.Cys360Ter; replaces cysteine 360 with a stop codon.
Molecular consequence: nonsense. On other transcripts: intron variant (137).
Genome position (GRCh38, 1-based): chr17:43,094,451, G>T on the plus strand (C>A on the coding strand, the complement: BRCA1 is on the minus strand). VCF-style: chr17-43094451-G-T. GRCh37 (hg19) VCF-style: chr17-41246468-G-T.
Other names: c.646+293C>A (NM_001408461.1, NM_001408467.1, NM_001408459.1 and 11 more transcripts); c.784+293C>A (NM_001408397.1, NM_001408401.1, NM_001408396.1 and 13 more transcripts); c.664+293C>A (NM_001408436.1, NM_001408444.1, NM_001408438.1 and 12 more transcripts); c.787+293C>A (NM_001407980.1, NM_001407993.1, NM_001407976.1 and 19 more transcripts); c.652+293C>A (NM_001408451.1); c.643+293C>A (NM_001408464.1, NM_001408468.1, NM_001408465.1 and 3 more transcripts); c.523+293C>A (NM_001408498.1, NM_001408501.1, NM_001408500.1 and 3 more transcripts); c.583+293C>A (NM_001408475.1); and 40 more; short protein forms C360*, C313*, C192*, C232*, C233*, C333*, C249*, C312*.
Identifiers: ClinVar variation 254389 (VCV000254389.10), dbSNP rs886037986, ClinGen allele CA10586659.

ClinVar aggregate classification (germline): Pathogenic. Review status: reviewed by expert panel (3 of 4 stars). 3 submissions from 3 submitters: Pathogenic (1). 2 of the submissions do not count toward it. Last evaluated 2016-09-08.

Conditions:
Hereditary breast ovarian cancer syndrome. Also called: Hereditary breast and ovarian cancer syndrome (HBOC); Breast and ovarian cancer; Hereditary breast and ovarian cancer syndrome; Hereditary breast and ovarian cancer; BRCA1- and BRCA2-Associated Hereditary Breast and Ovarian Cancer; Hereditary breast and/or ovarian cancer syndrome. Identifiers: Orphanet 145, MedGen C0677776, MeSH D061325, MONDO:0003582. Disease mechanism: loss of function.
Breast-ovarian cancer, familial, susceptibility to, 1 (BROVCA1). Also called: BRCA1 Hereditary Breast and Ovarian Cancer; OVARIAN CANCER, SUSCEPTIBILITY TO. Identifiers: Orphanet 145, MedGen C2676676, MONDO:0011450, OMIM 604370. Disease mechanism: loss of function.

Allele frequency attached by ClinVar (database versions not stated): TOPMed below 0.00001.

Submissions (3):

Evidence-based Network for the Interpretation of Germline Mutant Alleles (ENIGMA)
Classification: Pathogenic for Breast-ovarian cancer, familial, susceptibility to, 1. Last evaluated: 2016-09-08. Review status: reviewed by expert panel. Criteria: ENIGMA BRCA1/2 Classification Criteria (2015). Collection method: curation. Allele origin: germline.
Comment: Variant allele predicted to encode a truncated non-functional protein.

Labcorp Genetics (formerly Invitae), Labcorp
Classification: Pathogenic for Hereditary breast ovarian cancer syndrome. Last evaluated: 2024-06-17. Review status: criteria provided, single submitter. Criteria: Invitae Variant Classification Sherloc (09022015). Collection method: clinical testing. Allele origin: germline. Not counted in ClinVar's aggregate classification.
Comment: This sequence change creates a premature translational stop signal (p.Cys360*) in the BRCA1 gene. It is expected to result in an absent or disrupted protein product. Loss-of-function variants in BRCA1 are known to be pathogenic (PMID: 20104584). This variant is not present in population databases (gnomAD no frequency). This premature translational stop signal has been observed in individual(s) with clinical features of hereditary breast and ovarian cancer syndrome (PMID: 29446198). ClinVar contains an entry for this variant (Variation ID: 254389). For these reasons, this variant has been classified as Pathogenic.

Consortium of Investigators of Modifiers of BRCA1/2 (CIMBA), c/o University of Cambridge
Classification: Pathogenic for Breast-ovarian cancer, familial, susceptibility to, 1. Last evaluated: 2015-10-02. Review status: criteria provided, single submitter. Criteria: CIMBA Mutation Classification guidelines May 2016. Collection method: clinical testing. Allele origin: germline. Not counted in ClinVar's aggregate classification.

Literature cited by the submitters: PubMed 20104584 (cited by Labcorp Genetics (formerly Invitae), Labcorp); PubMed 29446198 (cited by Labcorp Genetics (formerly Invitae), Labcorp).